The following is an entry in ClinVar:

NM_022124.6(CDH23):c.5736del (p.Leu1914fs)

Gene: CDH23 (cadherin related 23; plus strand). Cytogenetic location: 10q22.1.
Variant type: Deletion.
Coding change: c.5736del on transcript NM_022124.6 (MANE Select); coding-DNA position 5736, one base deleted (G; older notation c.5736delG).
Protein change: p.Leu1914fs; shifts the reading frame from leucine 1914.
Molecular consequence: frameshift variant.
Genome position (GRCh38, 1-based): chr10:71,785,654, G deleted; the last of 2 consecutive G bases (chr10:71,785,653-71,785,654); deleting either gives the same sequence. VCF-style (leftmost placement, unchanged base first): chr10-71785652-CG-C. GRCh37 (hg19) VCF-style: chr10-73545409-CG-C.
Other names: short protein forms L1914fs.
Identifiers: ClinVar variation 2070882 (VCV002070882.4), dbSNP rs2494361871, ClinGen allele CA2580082139.

ClinVar aggregate classification (germline): Pathogenic (1 of 4 stars; one submission).

Submission:

Labcorp Genetics (formerly Invitae), Labcorp
Classification: Pathogenic. Last evaluated: 2022-01-02. Review status: criteria provided, single submitter. Criteria: Invitae Variant Classification Sherloc (09022015). Collection method: clinical testing. Allele origin: germline.
Comment: For these reasons, this variant has been classified as Pathogenic. This variant has not been reported in the literature in individuals affected with CDH23-related conditions. This variant is not present in population databases (gnomAD no frequency). This sequence change creates a premature translational stop signal (p.Leu1914Trpfs*11) in the CDH23 gene. It is expected to result in an absent or disrupted protein product. Loss-of-function variants in CDH23 are known to be pathogenic (PMID: 11138009, 21940737).

Literature cited by the submitters: PubMed 11138009; PubMed 21940737.